The following is an entry in ClinVar:

NM_000053.4(ATP7B):c.2966T>G (p.Leu989Arg)

Gene: ATP7B (ATPase copper transporting beta; minus strand). Cytogenetic location: 13q14.3.
Variant type: single nucleotide variant.
Coding change: c.2966T>G on transcript NM_000053.4 (MANE Select); coding-DNA position 2966, T replaced by G.
Protein change: p.Leu989Arg; replaces leucine 989 with arginine.
Molecular consequence: missense variant. On other transcripts: intron variant (6).
Genome position (GRCh38, 1-based): chr13:51,946,378, A>C on the plus strand (T>G on the coding strand, the complement: ATP7B is on the minus strand). VCF-style: chr13-51946378-A-C. GRCh37 (hg19) VCF-style: chr13-52520514-A-C.
Other names: c.2345T>G, p.Leu782Arg (NM_001005918.3); c.2633T>G, p.Leu878Arg (NM_001243182.2); c.2732T>G, p.Leu911Arg (NM_001330578.2, NM_001406527.1, NM_001406528.1 and 1 more transcripts); c.2714T>G, p.Leu905Arg (NM_001330579.2, NM_001406531.1, NM_001406532.1); c.2966T>G, p.Leu989Arg (NM_001406511.1, NM_001406512.1, NM_001406513.1 and 2 more transcripts); c.2933T>G, p.Leu978Arg (NM_001406514.1); c.2912T>G, p.Leu971Arg (NM_001406515.1, NM_001406516.1); c.2870T>G, p.Leu957Arg (NM_001406517.1, NM_001406518.1); and 18 more; short protein forms L559R, L846R, L873R, L879R, L893R, L941R, L957R, L978R.
Identifiers: ClinVar variation 3721335 (VCV003721335.3).

ClinVar aggregate classification (germline): Conflicting classifications of pathogenicity. Review status: criteria provided, conflicting classifications (1 of 4 stars). 2 submissions from 2 submitters: Pathogenic (1); Uncertain significance (1). Last evaluated 2024-03-16.

Conditions:
ATP7B-related disorder. Also called: ATP7B-related condition.
Wilson disease (WND). Also called: Wilson's disease. Identifiers: Orphanet 905, MedGen C0019202, MONDO:0010200, OMIM 277900. Disease mechanism: loss of function.

Submissions (2):

Labcorp Genetics (formerly Invitae), Labcorp
Classification: Uncertain significance for Wilson disease. Last evaluated: 2024-03-16. Review status: criteria provided, single submitter. Criteria: Invitae Variant Classification Sherloc (09022015). Collection method: clinical testing. Allele origin: germline.
Comment: This sequence change replaces leucine, which is neutral and non-polar, with arginine, which is basic and polar, at codon 989 of the ATP7B protein (p.Leu989Arg). This variant is not present in population databases (gnomAD no frequency). This missense change has been observed in individual(s) with inherited retinal degeneration (PMID: 28130426). Advanced modeling of protein sequence and biophysical properties (such as structural, functional, and spatial information, amino acid conservation, physicochemical variation, residue mobility, and thermodynamic stability) performed at Invitae indicates that this missense variant is expected to disrupt ATP7B protein function with a positive predictive value of 80%. In summary, the available evidence is currently insufficient to determine the role of this variant in disease. Therefore, it has been classified as a Variant of Uncertain Significance.

Blueprint Genetics
Classification: Pathogenic for ATP7B-related disorders. Last evaluated: 2020-11-27. Review status: criteria provided, single submitter. Criteria: ACMG Guidelines, 2015. Collection method: clinical testing. Allele origin: germline. Affected: yes. Observed: 3 variant alleles.

Literature cited by the submitters: PubMed 28130426 (cited by Labcorp Genetics (formerly Invitae), Labcorp).